The following is an entry in ClinVar:

ClinVar aggregate classification (germline): Uncertain significance (1 of 4 stars; one submission).

Submission:

GeneDx
Classification: Uncertain significance. Last evaluated: 2025-10-08. Review status: criteria provided, single submitter. Criteria: GeneDx Variant Classification Process June 2021. Collection method: clinical testing. Allele origin: germline.
Comment: Not observed at significant frequency in large population cohorts (gnomAD); In silico analysis supports that this missense variant has a deleterious effect on protein structure/function; Has not been previously published as pathogenic or benign to our knowledge

NM_001372044.2(SHANK3):c.1000C>T (p.Arg334Cys)

Gene: SHANK3 (SH3 and multiple ankyrin repeat domains 3; plus strand). Cytogenetic location: 22q13.33.
Variant type: single nucleotide variant.
Coding change: c.1000C>T on transcript NM_001372044.2 (MANE Select); coding-DNA position 1000, C replaced by T.
Protein change: p.Arg334Cys; replaces arginine 334 with cysteine.
Molecular consequence: missense variant.
Genome position (GRCh38, 1-based): chr22:50,679,318, C>T. VCF-style: chr22-50679318-C-T. GRCh37 (hg19) VCF-style: chr22-51117746-C-T.
Other names: c.775C>T (NM_033517.1); short protein forms R334C.
Identifiers: ClinVar variation 3391536 (VCV003391536.2).